The following is an entry in ClinVar:

ClinVar aggregate classification (germline): Pathogenic/Likely pathogenic. Review status: criteria provided, multiple submitters, no conflicts (2 of 4 stars). 7 submissions from 7 submitters: Pathogenic (5); Likely pathogenic (1). 1 of the submissions does not count toward it. Last evaluated 2025-04-14.

Conditions:
Alport syndrome. Also called: Hemorrhagic familial nephritis; Hemorrhagic hereditary nephritis; Congenital hereditary hematuria. Identifiers: Orphanet 63, MedGen C1567741, MONDO:0018965.
Autosomal recessive Alport syndrome (ATS2). Also called: COL4A4 Alport Syndrome and Thin Basement Membrane Nephropathy; COL4A3-Related Nephropathy; ALPORT SYNDROME 2, AUTOSOMAL RECESSIVE; Alport syndrome type 2. Identifiers: Orphanet 63, Orphanet 88919, MedGen C4746745, MONDO:0008762, OMIM 203780.
Autosomal dominant Alport syndrome (ATS3A). Also called: Alport syndrome dominant type; Renal failure and sensorineural hearing loss; ALPORT SYNDROME 3A, AUTOSOMAL DOMINANT. Identifiers: Orphanet 63, Orphanet 88918, MedGen C5882663, MONDO:0007086, OMIM 104200.

Submissions (7):

Labcorp Genetics (formerly Invitae), Labcorp
Classification: Pathogenic. Last evaluated: 2025-04-14. Review status: criteria provided, single submitter. Criteria: Invitae Variant Classification Sherloc (09022015). Collection method: clinical testing. Allele origin: germline.
Comment: This sequence change creates a premature translational stop signal (p.Arg221Serfs*5) in the COL4A3 gene. It is expected to result in an absent or disrupted protein product. Loss-of-function variants in COL4A3 are known to be pathogenic (PMID: 8956999, 24854265, 26809805, 27281700). This variant is present in population databases (no rsID available, gnomAD 0.004%). This premature translational stop signal has been observed in individual(s) with autosomal recessive Alport syndrome (PMID: 24052634). In at least one individual the data is consistent with being in trans (on the opposite chromosome) from a pathogenic variant. ClinVar contains an entry for this variant (Variation ID: 553434). For these reasons, this variant has been classified as Pathogenic.

Victorian Clinical Genetics Services, Murdoch Childrens Research Institute
Classification: Pathogenic for Alport syndrome. Last evaluated: 2024-10-09. Review status: criteria provided, single submitter. Criteria: ACMG Guidelines, 2015. Collection method: clinical testing. Allele origin: germline. Affected: yes.
Comment: Based on the classification scheme VCGS_Germline_v1.3.4, this variant is classified as Pathogenic. Following criteria are met: 0103 - Dominant negative and loss of function are known mechanisms of disease in this gene and are associated with Alport syndrome, MONDO:0018965, COL4A3-related. Glycine changes that are part of a G-X-Y repeat in the triple helix of a collagen domain are known to have a dominant negative effect (PMID: 12028435). (I) 0108 - This gene is associated with both recessive and dominant disease, Alport syndrome 3B (MIM#620536) and Alport syndrome 3A (MIM#104200), respectively (OMIM). (I) 0201 - Variant is predicted to cause nonsense-mediated decay (NMD) and loss of protein (premature termination codon is located at least 54 nucleotides upstream of the final exon-exon junction). (SP) 0251 - This variant is heterozygous. (I) 0304 - Variant is present in gnomAD (v2) <0.01 (4 heterozygotes, 0 homozygotes). (SP) 0701 - Other NMD-predicted variants comparable to the one identified in this case have very strong previous evidence for pathogenicity. Many NMD-predicted variants have been reported as pathogenic (ClinVar). (SP) 0801 - This variant has strong previous evidence of pathogenicity in unrelated individuals. This variant has been reported three times as pathogenic and once as likely pathogenic (ClinVar) and in an at least one compound heterozygous individual with autosomal recessive Alport syndrome (PMID:24052634). (SP) 1208 - Inheritance information for this variant is not currently available in this individual. (I) Legend: (SP) - Supporting pathogenic, (I) - Information, (SB) - Supporting benign

Natera, Inc.
Classification: Pathogenic for Alport syndrome. Last evaluated: 2024-06-10. Review status: criteria provided, single submitter. Criteria: Natera Variant Classification Schema (03/2026). Collection method: clinical testing. Allele origin: germline.
Comment: The c.663_664delAG variant in COL4A3 is a frameshift variant predicted to shift the reading frame beginning at codon 221 and leads to a stop codon 5 codons downstream. This variant is expected to result in nonsense mediated decay, truncation, or a dysfunctional protein product. This variant is rare in the general population with a frequency below the threshold expected for the associated phenotype(s). This variant has been observed in one or more individuals affected with the associated recessive disease, as either homozygous or compound heterozygous with a second variant (PMID: 24052634). Given the available evidence, this variant is classified as Pathogenic.

GeneDx
Classification: Likely pathogenic. Last evaluated: 2024-01-24. Review status: criteria provided, single submitter. Criteria: GeneDx Variant Classification Process June 2021. Collection method: clinical testing. Allele origin: germline. Affected: yes.
Comment: Frameshift variant predicted to result in protein truncation or nonsense mediated decay in a gene for which loss-of-function is a known mechanism of disease; Not observed at significant frequency in large population cohorts (gnomAD); Reported with a second variant (phase unknown) in a patient with renal biopsy suggestive of Alport syndrome in published literature (PMID: 24052634); This variant is associated with the following publications: (PMID: 24052634)

Women's Health and Genetics/Laboratory Corporation of America, LabCorp
Classification: Pathogenic for Autosomal recessive Alport syndrome. Last evaluated: 2022-02-16. Review status: criteria provided, single submitter. Criteria: LabCorp Variant Classification Summary - May 2015. Collection method: clinical testing. Allele origin: germline.
Comment: Variant summary: COL4A3 c.663_664delAG (p.Arg221SerfsX5) results in a premature termination codon, predicted to cause a truncation of the encoded protein or absence of the protein due to nonsense mediated decay, which are commonly known mechanisms for disease. Truncations downstream of this position have been classified as pathogenic by our laboratory. The variant allele was found at a frequency of 1.6e-05 in 249216 control chromosomes. c.663_664delAG has been reported in the literature in at least one individual affected with Alport Syndrome, Autosomal Recessive (Storey_2013). To our knowledge, no experimental evidence demonstrating an impact on protein function has been reported. Three clinical diagnostic laboratories have submitted clinical-significance assessments for this variant to ClinVar after 2014 without evidence for independent evaluation. All laboratories classified the variant as pathogenic/likely pathogenic. Based on the evidence outlined above, the variant was classified as pathogenic.

Baylor Genetics
Classification: Pathogenic for Autosomal dominant Alport syndrome. Last evaluated: 2019-01-18. Review status: criteria provided, single submitter. Criteria: ACMG Guidelines, 2015. Collection method: clinical testing. Allele origin: maternal. Affected: yes.
Comment: This variant was determined to be pathogenic according to ACMG Guidelines, 2015 [PMID:25741868].

Counsyl
Classification: Likely pathogenic for Autosomal recessive Alport syndrome. Last evaluated: 2017-08-18. Review status: no assertion criteria provided. Collection method: clinical testing. Allele origin: unknown. Not counted in ClinVar's aggregate classification.

Literature cited by the submitters: PubMed 8956999 (cited by Labcorp Genetics (formerly Invitae), Labcorp); PubMed 24854265 (cited by Labcorp Genetics (formerly Invitae), Labcorp); PubMed 26809805 (cited by Labcorp Genetics (formerly Invitae), Labcorp); PubMed 27281700 (cited by Labcorp Genetics (formerly Invitae), Labcorp); PubMed 24052634 (cited by 5 submitters); PubMed 12028435 (cited by Victorian Clinical Genetics Services, Murdoch Childrens Research Institute).

NM_000091.5(COL4A3):c.663_664del (p.Arg221fs)

Genes: MFF-DT (MFF divergent transcript; minus strand), COL4A3 (collagen type IV alpha 3 chain; plus strand). Cytogenetic location: 2q36.3.
Variant type: Microsatellite.
Coding change: c.663_664del on transcript NM_000091.5 (MANE Select); coding-DNA positions 663 to 664, 2 bases deleted (AG; older notation c.663_664delAG).
Protein change: p.Arg221fs; shifts the reading frame from arginine 221.
Molecular consequence: frameshift variant.
Genome position (GRCh38, 1-based): chr2:227,253,313-227,253,314, AG deleted; deleting any 2 consecutive bases within chr2:227,253,311-227,253,314 gives the same sequence; the c. name uses the placement nearest the transcript's 3' end. VCF-style (leftmost placement, unchanged base first): chr2-227253310-AAG-A. GRCh37 (hg19) VCF-style: chr2-228118026-AAG-A.
Other names: c.663_664delAG (NM_000091.4); short protein forms R221fs.
Identifiers: ClinVar variation 553434 (VCV000553434.14), dbSNP rs1469479748, ClinGen allele CA539883898.